The following is an entry in ClinVar:

ClinVar aggregate classification (germline): Likely benign (1 of 4 stars; one submission).

Conditions:
Epilepsy, early-onset, with or without developmental delay. Identifiers: MedGen C5882670, MONDO:0030005, OMIM 618832.

Submission:

Centre for Medical Genetics,  Mumbai
Classification: Likely benign for Epilepsy, early-onset, with or without developmental delay. Last evaluated: 2026-02-04. Review status: criteria provided, single submitter. Criteria: ACMG Guidelines, 2015. Collection method: provider interpretation. Allele origin: germline. Inheritance: Autosomal dominant inheritance. Affected: no. Observed: 1 heterozygote.
Comment: The variant satisfies PM2 criteria; Extremely low frequency in gnomAD population databases. However, the variant satisfies BS2 criteria.

Literature cited by the submitters: PubMed 31197650.

NM_014712.3(SETD1A):c.2266G>A (p.Ala756Thr)

Gene: SETD1A (SET domain containing 1A, histone lysine methyltransferase; plus strand). Cytogenetic location: 16p11.2.
Variant type: single nucleotide variant.
Coding change: c.2266G>A on transcript NM_014712.3 (MANE Select); coding-DNA position 2266, G replaced by A.
Protein change: p.Ala756Thr; replaces alanine 756 with threonine.
Molecular consequence: missense variant.
Genome position (GRCh38, 1-based): chr16:30,966,147, G>A. VCF-style: chr16-30966147-G-A. GRCh37 (hg19) VCF-style: chr16-30977468-G-A.
Other names: short protein forms A756T.
Identifiers: ClinVar variation 4755418 (VCV004755418.1).
Genomic context (GRCh38, chr16:30,966,147, plus strand): 5'-GGGCAGGAGGGCAGAGGGGCATACTCACGGGAGGCCTACCACCTGCCCATGCCAATGGCA[G>A]CCGAGCCCCTGCCCTCCTCCTCAGTCTCGGGAGAGGAGGCCCGGCTGCCACCCAGGGAAG-3'
Protein context (NP_055527.1, residues 746-766): EAYHLPMPMA[Ala756Thr]EPLPSSSVSG